The following is an entry in ClinVar:

NM_000214.3(JAG1):c.2569G>A (p.Glu857Lys)

Gene: JAG1 (jagged canonical Notch ligand 1; minus strand). Cytogenetic location: 20p12.2.
Variant type: single nucleotide variant.
Coding change: c.2569G>A on transcript NM_000214.3 (MANE Select); coding-DNA position 2569, G replaced by A.
Protein change: p.Glu857Lys; replaces glutamic acid 857 with lysine.
Molecular consequence: missense variant.
Genome position (GRCh38, 1-based): chr20:10,642,491, C>T on the plus strand (G>A on the coding strand, the complement: JAG1 is on the minus strand). VCF-style: chr20-10642491-C-T. GRCh37 (hg19) VCF-style: chr20-10623139-C-T.
Other names: short protein forms E857K.
Identifiers: ClinVar variation 2978539 (VCV002978539.3), dbSNP rs2030438986, ClinGen allele CA408245467.
Genomic context (GRCh38, chr20:10,642,491, plus strand): 5'-CTGCAAAGCTCGCTCACCCCAGAAGACCCATGGGCAGCTGAAGCCTGGCACACATACCTT[C>T]CTGGCACTTGGCACCACTGTGCCCTGGAGGGCAGACACACCGGTAGCCATTGATCTCATC-3'
Protein context (NP_000205.1, residues 847-867): PPGHSGAKCQ[Glu857Lys]VSGRPCITMG

ClinVar aggregate classification (germline): Uncertain significance (1 of 4 stars; one submission).

Conditions:
Alagille syndrome due to a JAG1 point mutation. Also called: Alagille Syndrome 1; JAG1-Related Alagille Syndrome; HEPATIC DUCTULAR HYPOPLASIA, SYNDROMATIC. Identifiers: Orphanet 261619, Orphanet 52, MedGen C1956125, MONDO:0016862, OMIM 118450.

Allele frequency attached by ClinVar (database versions not stated): gnomAD exomes below 0.00001; TOPMed below 0.00001.

Submission:

Labcorp Genetics (formerly Invitae), Labcorp
Classification: Uncertain significance for Alagille syndrome due to a JAG1 point mutation. Last evaluated: 2024-01-07. Review status: criteria provided, single submitter. Criteria: Invitae Variant Classification Sherloc (09022015). Collection method: clinical testing. Allele origin: germline.
Comment: This sequence change replaces glutamic acid, which is acidic and polar, with lysine, which is basic and polar, at codon 857 of the JAG1 protein (p.Glu857Lys). This variant is not present in population databases (gnomAD no frequency). This variant has not been reported in the literature in individuals affected with JAG1-related conditions. Advanced modeling of protein sequence and biophysical properties (such as structural, functional, and spatial information, amino acid conservation, physicochemical variation, residue mobility, and thermodynamic stability) performed at Invitae indicates that this missense variant is not expected to disrupt JAG1 protein function with a negative predictive value of 80%. In summary, the available evidence is currently insufficient to determine the role of this variant in disease. Therefore, it has been classified as a Variant of Uncertain Significance.